The following is an entry in ClinVar:

ClinVar aggregate classification (germline): Uncertain significance (1 of 4 stars; one submission).

Submission:

Labcorp Genetics (formerly Invitae), Labcorp
Classification: Uncertain significance. Last evaluated: 2024-11-08. Review status: criteria provided, single submitter. Criteria: Invitae Variant Classification Sherloc (09022015). Collection method: clinical testing. Allele origin: germline.
Comment: This sequence change replaces proline, which is neutral and non-polar, with leucine, which is neutral and non-polar, at codon 147 of the PIK3C2A protein (p.Pro147Leu). This variant is not present in population databases (gnomAD no frequency). This variant has not been reported in the literature in individuals affected with PIK3C2A-related conditions. An algorithm developed to predict the effect of missense changes on protein structure and function (PolyPhen-2) suggests that this variant is likely to be tolerated. In summary, the available evidence is currently insufficient to determine the role of this variant in disease. Therefore, it has been classified as a Variant of Uncertain Significance.

NM_002645.4(PIK3C2A):c.440C>T (p.Pro147Leu)

Gene: PIK3C2A (phosphatidylinositol-4-phosphate 3-kinase catalytic subunit type 2 alpha; minus strand). Cytogenetic location: 11p15.1.
Variant type: single nucleotide variant.
Coding change: c.440C>T on transcript NM_002645.4 (MANE Select); coding-DNA position 440, C replaced by T.
Protein change: p.Pro147Leu; replaces proline 147 with leucine.
Molecular consequence: missense variant. On other transcripts: intron variant (1).
Genome position (GRCh38, 1-based): chr11:17,169,302, G>A on the plus strand (C>T on the coding strand, the complement: PIK3C2A is on the minus strand). VCF-style: chr11-17169302-G-A. GRCh37 (hg19) VCF-style: chr11-17190849-G-A.
Other names: c.440C>T, p.Pro147Leu (NM_001321378.2, NM_001386870.1); c.-75-13673C>T (NM_001321380.2); short protein forms P147L.
Identifiers: ClinVar variation 3610924 (VCV003610924.2).